The following is an entry in ClinVar:

NM_003482.4(KMT2D):c.1434A>T (p.Pro478=)

Gene: KMT2D (lysine methyltransferase 2D; minus strand). Cytogenetic location: 12q13.12.
Variant type: single nucleotide variant.
Coding change: c.1434A>T on transcript NM_003482.4 (MANE Select); coding-DNA position 1434, A replaced by T.
Protein change: p.Pro478=; no amino-acid change (proline 478 retained).
Molecular consequence: synonymous variant.
Genome position (GRCh38, 1-based): chr12:49,052,249, T>A on the plus strand (A>T on the coding strand, the complement: KMT2D is on the minus strand). VCF-style: chr12-49052249-T-A. GRCh37 (hg19) VCF-style: chr12-49446032-T-A.
Other names: c.1434A>T (NM_003482.3).
Identifiers: ClinVar variation 1099688 (VCV001099688.30), dbSNP rs770225131, ClinGen allele CA6548484.

ClinVar aggregate classification (germline): Likely benign. Review status: criteria provided, multiple submitters, no conflicts (2 of 4 stars). 3 submissions from 3 submitters: Likely benign (3). Last evaluated 2026-08-14.

Conditions:
Kabuki syndrome. Also called: Kabuki make-up syndrome; NIIKAWA-KUROKI SYNDROME. Identifiers: Orphanet 2322, MedGen C0796004, MONDO:0016512.
KMT2D-related disorder. Also called: KMT2D-Related Disorders.

Allele frequency attached by ClinVar (database versions not stated): gnomAD 0.00001 and 0.00002; ExAC 0.00005.
gnomAD v4.1: 56 of 1,605,850 alleles (0.0035%); highest among the groups gnomAD compares: Non-Finnish European, 0.0043%; no homozygotes.

Submissions (3):

PreventionGenetics, part of Exact Sciences
Classification: Likely benign for KMT2D-related condition. Last evaluated: 2026-08-14. Review status: criteria provided, single submitter. Criteria: ACMG Guidelines, 2015. Collection method: clinical testing. Allele origin: germline.
Comment: This variant is classified as likely benign based on ACMG/AMP sequence variant interpretation guidelines (Richards et al. 2015 PMID: 25741868, with internal and published modifications).

CeGaT Center for Human Genetics Tuebingen
Classification: Likely benign. Last evaluated: 2026-06-01. Review status: criteria provided, single submitter. Criteria: CeGaT Center For Human Genetics Tuebingen Variant Classification Criteria Version 2. Collection method: clinical testing. Allele origin: germline. Affected: yes. Observed: 2 variant alleles.
Comment: KMT2D: BP4, BP7

Labcorp Genetics (formerly Invitae), Labcorp
Classification: Likely benign for Kabuki syndrome. Last evaluated: 2026-01-22. Review status: criteria provided, single submitter. Criteria: Invitae Variant Classification Sherloc (09022015). Collection method: clinical testing. Allele origin: germline.